The following is an entry in ClinVar:

NM_004991.4(MECOM):c.2771+3A>G

Gene: MECOM (MDS1 and EVI1 complex locus; minus strand). Cytogenetic location: 3q26.2.
Variant type: single nucleotide variant.
Coding change: c.2771+3A>G on transcript NM_004991.4 (MANE Select); 3 bases into the intron after coding-DNA position 2771, A replaced by G.
Molecular consequence: intron variant.
Genome position (GRCh38, 1-based): chr3:169,102,057, T>C on the plus strand (A>G on the coding strand, the complement: MECOM is on the minus strand). VCF-style: chr3-169102057-T-C. GRCh37 (hg19) VCF-style: chr3-168819845-T-C.
Other names: c.2207+3A>G (NM_001205194.2, NM_001366469.2, NM_001105078.4 and 1 more transcripts); c.1772+3A>G (NM_001366473.2); c.2744+3A>G (NM_001366466.2); c.1208+3A>G (NM_001366474.2); c.2180+3A>G (NM_001164000.2, NM_001366471.2, NM_001366472.2); c.2183+3A>G (NM_001366470.2, NM_001163999.2); c.2210+3A>G (NM_001366467.2, NM_001366468.2); c.2402+3A>G (NM_001105077.4).
Identifiers: ClinVar variation 3651726 (VCV003651726.2).

ClinVar aggregate classification (germline): Uncertain significance (1 of 4 stars; one submission).

Submission:

Labcorp Genetics (formerly Invitae), Labcorp
Classification: Uncertain significance. Last evaluated: 2024-04-30. Review status: criteria provided, single submitter. Criteria: Invitae Variant Classification Sherloc (09022015). Collection method: clinical testing. Allele origin: germline.
Comment: This sequence change falls in intron 10 of the MECOM gene. It does not directly change the encoded amino acid sequence of the MECOM protein. It affects a nucleotide within the consensus splice site. This variant is not present in population databases (gnomAD no frequency). This variant has not been reported in the literature in individuals affected with MECOM-related conditions. Variants that disrupt the consensus splice site are a relatively common cause of aberrant splicing (PMID: 17576681, 9536098). Algorithms developed to predict the effect of sequence changes on RNA splicing suggest that this variant is not likely to affect RNA splicing. In summary, the available evidence is currently insufficient to determine the role of this variant in disease. Therefore, it has been classified as a Variant of Uncertain Significance.

Literature cited by the submitters: PubMed 17576681; PubMed 9536098.